The following is an entry in ClinVar:

NM_001079802.2(FKTN):c.710A>G (p.His237Arg)

Gene: FKTN (fukutin; plus strand). Cytogenetic location: 9q31.2.
Variant type: single nucleotide variant.
Coding change: c.710A>G on transcript NM_001079802.2 (MANE Select); coding-DNA position 710, A replaced by G.
Protein change: p.His237Arg; replaces histidine 237 with arginine.
Molecular consequence: missense variant. On other transcripts: non-coding transcript variant (2).
Genome position (GRCh38, 1-based): chr9:105,607,881, A>G. VCF-style: chr9-105607881-A-G. GRCh37 (hg19) VCF-style: chr9-108370162-A-G.
Other names: c.710A>G, p.His237Arg (NM_001198963.2, NM_001351496.2, NM_001351498.2 and 1 more transcripts); c.641A>G, p.His214Arg (NM_001351497.2); c.314A>G, p.His105Arg (NM_001351499.2, NM_001351500.2, NM_001351501.2 and 1 more transcripts); short protein forms H105R, H214R, H237R.
Identifiers: ClinVar variation 5021811 (VCV005021811.1).

ClinVar aggregate classification (germline): Uncertain significance (1 of 4 stars; one submission).

Conditions:
Cardiovascular phenotype. Identifiers: MedGen CN230736.

Submission:

Ambry Genetics
Classification: Uncertain significance for Cardiovascular phenotype. Last evaluated: 2026-07-11. Review status: criteria provided, single submitter. Criteria: Ambry Variant Classification Scheme 2023. Collection method: clinical testing. Allele origin: germline.
Comment: The p.H237R variant (also known as c.710A>G), located in coding exon 5 of the FKTN gene, results from an A to G substitution at nucleotide position 710. The histidine at codon 237 is replaced by arginine, an amino acid with highly similar properties. This amino acid position is conserved. In addition, this alteration is predicted to be tolerated by in silico analysis. Based on the available evidence, the clinical significance of this variant remains unclear.